The following is an entry in ClinVar:

NC_000007.13:g.(?_44266210)_(44268489_?)del

Gene: CAMK2B (calcium/calmodulin dependent protein kinase II beta; minus strand). Cytogenetic location: 7p13.
Variant type: Deletion.
Identifiers: ClinVar variation 1440636 (VCV001440636.1).

ClinVar aggregate classification (germline): Uncertain significance (1 of 4 stars; one submission).

Submission:

Labcorp Genetics (formerly Invitae), Labcorp
Classification: Uncertain significance. Last evaluated: 2021-07-21. Review status: criteria provided, single submitter. Criteria: Invitae Variant Classification Sherloc (09022015). Collection method: clinical testing. Allele origin: germline.
Comment: This variant results in the deletion of part of exons 19 and 20 (c.1374_1502del) of the CAMK2B gene. This variant would be expected to be in-frame, preserving the integrity of the reading frame. This variant has not been reported in the literature in individuals affected with CAMK2B-related conditions. Experimental studies and prediction algorithms are not available or were not evaluated, and the functional significance of this variant is currently unknown. In summary, the available evidence is currently insufficient to determine the role of this variant in disease. Therefore, it has been classified as a Variant of Uncertain Significance.